The following is an entry in ClinVar:

NM_000264.5(PTCH1):c.153C>G (p.His51Gln)

Genes: PTCH1 (patched 1; minus strand), LOC130002133 (ATAC-STARR-seq lymphoblastoid silent region 20071; plus strand). Cytogenetic location: 9q22.32.
Variant type: single nucleotide variant.
Coding change: c.153C>G on transcript NM_000264.5 (MANE Select); coding-DNA position 153, C replaced by G.
Protein change: p.His51Gln; replaces histidine 51 with glutamine.
Molecular consequence: missense variant. On other transcripts: non-coding transcript variant (1), intron variant (3).
Genome position (GRCh38, 1-based): chr9:95,508,209, G>C on the plus strand (C>G on the coding strand, the complement: PTCH1 is on the minus strand). VCF-style: chr9-95508209-G-C. GRCh37 (hg19) VCF-style: chr9-98270491-G-C.
Other names: c.153C>G, p.His51Gln (NM_001354918.2); c.199-1610C>G (NM_001083603.3); c.4-1610C>G (NM_001083602.3, NM_001354919.2); short protein forms H51Q.
Identifiers: ClinVar variation 2497336 (VCV002497336.5), dbSNP rs1587700385, ClinGen allele CA374121340.

ClinVar aggregate classification (germline): Uncertain significance. Review status: criteria provided, multiple submitters, no conflicts (2 of 4 stars). 2 submissions from 2 submitters: Uncertain significance (2). Last evaluated 2026-01-02.

Conditions:
Gorlin syndrome. Also called: Nevoid Basal Cell Carcinoma Syndrome; Basal cell nevus syndrome. Identifiers: Orphanet 377, MedGen C0004779, MONDO:0007187.
Hereditary cancer-predisposing syndrome. Also called: Tumor predisposition; Hereditary neoplastic syndrome; Neoplastic Syndromes, Hereditary; Hereditary Cancer Syndrome. Identifiers: Orphanet 140162, MedGen C0027672, MeSH D009386, MONDO:0015356.

Submissions (2):

Labcorp Genetics (formerly Invitae), Labcorp
Classification: Uncertain significance for Gorlin syndrome. Last evaluated: 2026-01-02. Review status: criteria provided, single submitter. Criteria: Invitae Variant Classification Sherloc (09022015). Collection method: clinical testing. Allele origin: germline.
Comment: This sequence change replaces histidine, which is basic and polar, with glutamine, which is neutral and polar, at codon 51 of the PTCH1 protein (p.His51Gln). This variant is not present in population databases (gnomAD no frequency). This variant has not been reported in the literature in individuals affected with PTCH1-related conditions. ClinVar contains an entry for this variant (Variation ID: 2497336). Invitae Evidence Modeling of protein sequence and biophysical properties (such as structural, functional, and spatial information, amino acid conservation, physicochemical variation, residue mobility, and thermodynamic stability) indicates that this missense variant is not expected to disrupt PTCH1 protein function with a negative predictive value of 95%. In summary, the available evidence is currently insufficient to determine the role of this variant in disease. Therefore, it has been classified as a Variant of Uncertain Significance.

Ambry Genetics
Classification: Uncertain significance for Hereditary cancer-predisposing syndrome. Last evaluated: 2025-01-16. Review status: criteria provided, single submitter. Criteria: Ambry Variant Classification Scheme 2023. Collection method: clinical testing. Allele origin: germline.
Comment: The p.H51Q variant (also known as c.153C>G), located in coding exon 1 of the PTCH1 gene, results from a C to G substitution at nucleotide position 153. The histidine at codon 51 is replaced by glutamine, an amino acid with highly similar properties. This amino acid position is well conserved in available vertebrate species; however, glutamine is the reference amino acid in other vertebrate species. In addition, this alteration is predicted to be tolerated by in silico analysis. Since supporting evidence is limited at this time, the clinical significance of this alteration remains unclear.